The following is an entry in ClinVar:

ClinVar aggregate classification (germline): Likely benign. Review status: reviewed by expert panel (3 of 4 stars). 7 submissions from 7 submitters: Likely benign (1). 6 of the submissions do not count toward it. Last evaluated 2017-06-29.

Conditions:
Hereditary cancer-predisposing syndrome. Also called: Neoplastic Syndromes, Hereditary; Hereditary Cancer Syndrome; Tumor predisposition; Hereditary neoplastic syndrome. Identifiers: Orphanet 140162, MedGen C0027672, MeSH D009386, MONDO:0015356.
Hereditary breast ovarian cancer syndrome. Also called: Breast and ovarian cancer; BRCA1- and BRCA2-Associated Hereditary Breast and Ovarian Cancer; Hereditary breast and ovarian cancer syndrome; Hereditary breast and ovarian cancer syndrome (HBOC); Hereditary breast and/or ovarian cancer syndrome; Hereditary breast and ovarian cancer. Identifiers: Orphanet 145, MedGen C0677776, MeSH D061325, MONDO:0003582. Disease mechanism: loss of function.
Breast-ovarian cancer, familial, susceptibility to, 2 (BROVCA2). Also called: BRCA2 Hereditary Breast and Ovarian Cancer. Identifiers: Orphanet 145, MedGen C2675520, MONDO:0012933, OMIM 612555. Disease mechanism: loss of function.
BRCA2-related cancer predisposition. Identifiers: MedGen CN377758, MONDO:0700269.

Allele frequency attached by ClinVar (database versions not stated): gnomAD exomes 0.00001; gnomAD 0.00003 and 0.00004; TOPMed 0.00004.
gnomAD v4.1: 7 of 1,611,766 alleles (0.00043%); highest among the groups gnomAD compares: African/African-American, 0.0094%; no homozygotes.

Submissions (7):

Evidence-based Network for the Interpretation of Germline Mutant Alleles (ENIGMA)
Classification: Likely benign for Breast-ovarian cancer, familial, susceptibility to, 2. Last evaluated: 2017-06-29. Review status: reviewed by expert panel. Criteria: ENIGMA BRCA1/2 Classification Criteria (2017-06-29). Collection method: curation. Allele origin: germline.
Comment: Synonymous substitution variant, with low bioinformatic likelihood to result in a splicing aberration (Splicing prior probability 0.02).

Labcorp Genetics (formerly Invitae), Labcorp
Classification: Likely benign for Hereditary breast ovarian cancer syndrome. Last evaluated: 2025-10-30. Review status: criteria provided, single submitter. Criteria: Invitae Variant Classification Sherloc (09022015). Collection method: clinical testing. Allele origin: germline. Not counted in ClinVar's aggregate classification.

All of Us Research Program, National Institutes of Health
Classification: Likely benign for BRCA2-related cancer predisposition. Last evaluated: 2024-03-14. Review status: criteria provided, single submitter. Criteria: ACMG Guidelines, 2015. Collection method: clinical testing. Allele origin: germline. Inheritance: Autosomal dominant inheritance. Observed: 2 variant alleles, 2 heterozygotes. Not counted in ClinVar's aggregate classification.
Comment: This study involves interpretation of variants in research participants for the purpose of population health screening. Participant phenotype was not available at the time of variant classification. Additional details can be found in publication PMID: 35346344, PMCID: PMC8962531

Blueprint Genetics
Classification: Likely benign. Last evaluated: 2023-10-30. Review status: criteria provided, single submitter. Criteria: ACMG Guidelines, 2015. Collection method: clinical testing. Allele origin: germline. Not counted in ClinVar's aggregate classification.

Quest Diagnostics Nichols Institute San Juan Capistrano
Classification: Likely benign. Last evaluated: 2023-02-08. Review status: criteria provided, single submitter. Criteria: Quest Diagnostics criteria. Collection method: clinical testing. Allele origin: unknown. Not counted in ClinVar's aggregate classification.

Color Diagnostics, LLC DBA Color Health
Classification: Likely benign for Hereditary cancer-predisposing syndrome. Last evaluated: 2020-04-28. Review status: criteria provided, single submitter. Criteria: ACMG Guidelines, 2015. Collection method: clinical testing. Allele origin: germline. Not counted in ClinVar's aggregate classification.

Ambry Genetics
Classification: Likely benign for Hereditary cancer-predisposing syndrome. Last evaluated: 2015-03-04. Review status: criteria provided, single submitter. Criteria: Ambry Variant Classification Scheme 2023. Collection method: clinical testing. Allele origin: germline. Not counted in ClinVar's aggregate classification.

NM_000059.4(BRCA2):c.3681G>C (p.Leu1227=)

Gene: BRCA2 (BRCA2 DNA repair associated; plus strand). Cytogenetic location: 13q13.1.
Variant type: single nucleotide variant.
Coding change: c.3681G>C on transcript NM_000059.4 (MANE Select); coding-DNA position 3681, G replaced by C.
Protein change: p.Leu1227=; no amino-acid change (leucine 1227 retained).
Molecular consequence: synonymous variant.
Genome position (GRCh38, 1-based): chr13:32,338,036, G>C. VCF-style: chr13-32338036-G-C. GRCh37 (hg19) VCF-style: chr13-32912173-G-C.
Identifiers: ClinVar variation 230858 (VCV000230858.24), dbSNP rs758007548, ClinGen allele CA10579585.